The following is an entry in ClinVar:

ClinVar aggregate classification (germline): Pathogenic (0 of 4 stars; one submission).

Conditions:
alpha Thalassemia. Also called: Alpha thalassemia spectrum. Identifiers: Orphanet 846, MedGen C0002312, MONDO:0011399, OMIM 604131.

Submission:

GeneReviews
Classification: Pathogenic for alpha Thalassemia. Last evaluated: 2016-12-29. Review status: no assertion criteria provided. Collection method: literature only. Allele origin: germline.
Comment: alpha-thalassemia variant with deletion of HBA2 and 5' end of HBA1.

Literature cited by the submitters: PubMed 6255436.

NC_000016.10:g.172005_177200del

Genes: HBA1 (hemoglobin subunit alpha 1; plus strand), HBA2 (hemoglobin subunit alpha 2; plus strand), LOC106804612 (hemoglobin subunit alpha 2 recombination region; plus strand), LOC106804613 (hemoglobin subunit alpha 1 recombination region; plus strand). Cytogenetic location: 16p13.3.
Variant type: Deletion.
Genome position: GRCh38: chr16:172,005-177,200. GRCh37 (hg19): chr16:222,004-227,199.
Identifiers: ClinVar variation 375753 (VCV000375753.2), ClinGen allele CA16602274.